The following is an entry in ClinVar:

NM_030943.4(AMN):c.855C>G (p.His285Gln)

Gene: AMN (amnion associated transmembrane protein; plus strand). Cytogenetic location: 14q32.32.
Variant type: single nucleotide variant.
Coding change: c.855C>G on transcript NM_030943.4 (MANE Select); coding-DNA position 855, C replaced by G.
Protein change: p.His285Gln; replaces histidine 285 with glutamine.
Molecular consequence: missense variant.
Genome position (GRCh38, 1-based): chr14:102,929,935, C>G. VCF-style: chr14-102929935-C-G. GRCh37 (hg19) VCF-style: chr14-103396272-C-G.
Other names: short protein forms H285Q.
Identifiers: ClinVar variation 2195921 (VCV002195921.2), dbSNP rs369865835, ClinGen allele CA7360028.

ClinVar aggregate classification (germline): Conflicting classifications of pathogenicity. Review status: criteria provided, conflicting classifications (1 of 4 stars). 2 submissions from 2 submitters: Uncertain significance (1); Likely benign (1). Last evaluated 2025-08-05.

Conditions:
Imerslund-Grasbeck syndrome. Also called: Imerslund-Gräsbeck syndrome; PERNICIOUS ANEMIA, JUVENILE, DUE TO SELECTIVE INTESTINAL MALABSORPTION OF VITAMIN B12, WITH PROTEINURIA; Megaloblastic anemia due to inborn errors of metabolism; ENTEROCYTE COBALAMIN MALABSORPTION; ENTEROCYTE INTRINSIC FACTOR RECEPTOR, DEFECT OF. Identifiers: Orphanet 35858, MedGen C4551825, MONDO:0009853.
Inborn genetic diseases. Identifiers: MedGen C0950123, MeSH D030342.

Allele frequency attached by ClinVar (database versions not stated): ESP Exome Variant Server 0.00008.
gnomAD v4.1: 37 of 1,559,974 alleles (0.0024%); highest among the groups gnomAD compares: Non-Finnish European, 0.003%; no homozygotes.

Submissions (2):

Ambry Genetics
Classification: Likely benign for Inborn genetic diseases. Last evaluated: 2025-08-05. Review status: criteria provided, single submitter. Criteria: Ambry Variant Classification Scheme 2023. Collection method: clinical testing. Allele origin: germline.

Labcorp Genetics (formerly Invitae), Labcorp
Classification: Uncertain significance for Imerslund-Grasbeck syndrome. Last evaluated: 2022-07-13. Review status: criteria provided, single submitter. Criteria: Invitae Variant Classification Sherloc (09022015). Collection method: clinical testing. Allele origin: germline.
Comment: This sequence change replaces histidine, which is basic and polar, with glutamine, which is neutral and polar, at codon 285 of the AMN protein (p.His285Gln). This variant is present in population databases (rs369865835, gnomAD 0.005%). This variant has not been reported in the literature in individuals affected with AMN-related conditions. Algorithms developed to predict the effect of missense changes on protein structure and function output the following: SIFT: "Tolerated"; PolyPhen-2: "Benign"; Align-GVGD: "Class C0". The glutamine amino acid residue is found in multiple mammalian species, which suggests that this missense change does not adversely affect protein function. In summary, the available evidence is currently insufficient to determine the role of this variant in disease. Therefore, it has been classified as a Variant of Uncertain Significance.